The following is an entry in ClinVar:

ClinVar aggregate classification (germline): Uncertain significance. Review status: criteria provided, single submitter (1 of 4 stars). 2 submissions from 2 submitters: Uncertain significance (1). 1 of the submissions does not count toward it. Last evaluated 2024-06-21.

Conditions:
Retinal dystrophy. Also called: Inherited retinal dystrophy. Identifiers: Orphanet 71862, MedGen C0854723, MeSH D058499, MONDO:0019118, HP:0000556.

Submissions (2):

GeneDx
Classification: Uncertain significance. Last evaluated: 2024-06-21. Review status: criteria provided, single submitter. Criteria: GeneDx Variant Classification Process June 2021. Collection method: clinical testing. Allele origin: germline. Affected: yes.
Comment: Not observed at significant frequency in large population cohorts (gnomAD); In silico analysis supports that this missense variant has a deleterious effect on protein structure/function; Has not been previously published as pathogenic or benign to our knowledge

Institute of Human Genetics, Univ. Regensburg, Univ. Regensburg
Classification: Likely pathogenic for Retinal dystrophy. Last evaluated: 2016-01-01. Review status: no assertion criteria provided. Criteria: ACMG Guidelines, 2015. Collection method: clinical testing. Allele origin: germline. Affected: yes. Not counted in ClinVar's aggregate classification.

NM_000350.3(ABCA4):c.3268T>C (p.Ser1090Pro)

Gene: ABCA4 (ATP binding cassette subfamily A member 4; minus strand). Cytogenetic location: 1p22.1.
Variant type: single nucleotide variant.
Coding change: c.3268T>C on transcript NM_000350.3 (MANE Select); coding-DNA position 3268, T replaced by C.
Protein change: p.Ser1090Pro; replaces serine 1090 with proline.
Molecular consequence: missense variant.
Genome position (GRCh38, 1-based): chr1:94,042,821, A>G on the plus strand (T>C on the coding strand, the complement: ABCA4 is on the minus strand). VCF-style: chr1-94042821-A-G. GRCh37 (hg19) VCF-style: chr1-94508377-A-G.
Other names: c.3046T>C, p.Ser1016Pro (NM_001425324.1); short protein forms S1090P, S1016P.
Identifiers: ClinVar variation 429377 (VCV000429377.5), dbSNP rs1131691351, ClinGen allele CA341292118.